The following is an entry in ClinVar:

ClinVar aggregate classification (germline): Likely benign. Review status: criteria provided, single submitter (1 of 4 stars). 2 submissions from 2 submitters: Likely benign (1). 1 of the submissions does not count toward it. Last evaluated 2025-02-07.

Conditions:
TARDBP-related disorder. Also called: TARDBP-related condition.
FRONTOTEMPORAL LOBAR DEGENERATION WITH TDP43 INCLUSIONS, TARDBP-RELATED. Also called: Frontotemporal lobar degeneration, TARDBP-related. Identifiers: MedGen C3150169, OMIM 612069.
Amyotrophic lateral sclerosis type 10 (ALS10). Also called: TARDBP-Related Amyotrophic Lateral Sclerosis-Frontotemporal Dementia; Amyotrophic lateral sclerosis 10, with or without FTD; AMYOTROPHIC LATERAL SCLEROSIS 10 WITHOUT FRONTOTEMPORAL DEMENTIA AND WITH TDP43 INCLUSIONS; AMYOTROPHIC LATERAL SCLEROSIS 10 WITH OR WITHOUT FRONTOTEMPORAL DEMENTIA AND WITH TDP43 INCLUSIONS; AMYOTROPHIC LATERAL SCLEROSIS 10 WITH OR WITHOUT FRONTOTEMPORAL DEMENTIA. Identifiers: Orphanet 275872, Orphanet 803, MedGen C2677565, MONDO:0012790, OMIM 612069.

Allele frequency attached by ClinVar (database versions not stated): ExAC 0.00002; gnomAD 0.00003; TOPMed 0.00003; gnomAD exomes 0.00013.

Submissions (2):

Labcorp Genetics (formerly Invitae), Labcorp
Classification: Likely benign for Amyotrophic lateral sclerosis type 10; FRONTOTEMPORAL LOBAR DEGENERATION WITH TDP43 INCLUSIONS, TARDBP-RELATED. Last evaluated: 2025-02-07. Review status: criteria provided, single submitter. Criteria: Invitae Variant Classification Sherloc (09022015). Collection method: clinical testing. Allele origin: germline.

PreventionGenetics, part of Exact Sciences
Classification: Likely benign for TARDBP-related condition. Last evaluated: 2020-03-09. Review status: no assertion criteria provided. Collection method: clinical testing. Allele origin: germline. Not counted in ClinVar's aggregate classification.
Comment: This variant is classified as likely benign based on ACMG/AMP sequence variant interpretation guidelines (Richards et al. 2015 PMID: 25741868, with internal and published modifications).

NM_007375.4(TARDBP):c.312C>T (p.Ser104=)

Gene: TARDBP (TAR DNA binding protein; plus strand). Cytogenetic location: 1p36.22.
Variant type: single nucleotide variant.
Coding change: c.312C>T on transcript NM_007375.4 (MANE Select); coding-DNA position 312, C replaced by T.
Protein change: p.Ser104=; no amino-acid change (serine 104 retained).
Molecular consequence: synonymous variant.
Genome position (GRCh38, 1-based): chr1:11,016,917, C>T. VCF-style: chr1-11016917-C-T. GRCh37 (hg19) VCF-style: chr1-11076974-C-T.
Identifiers: ClinVar variation 1963276 (VCV001963276.7), dbSNP rs774307145, ClinGen allele CA586350.
Genomic context (GRCh38, chr1:11,016,917, plus strand): 5'-AATGGATGAGACAGATGCTTCATCAGCAGTGAAAGTGAAAAGAGCAGTCCAGAAAACATC[C>T]GATTTAATAGTGTTGGGTCTCCCATGGAAAACAACCGAACAGGACCTGAAAGAGTATTTT-3'
Protein context (NP_031401.1, residues 94-114): VKVKRAVQKT[Ser104=]DLIVLGLPWK